The following is an entry in ClinVar:

ClinVar aggregate classification (germline): Likely pathogenic (1 of 4 stars; one submission).

Allele frequency attached by ClinVar (database versions not stated): gnomAD 0.00001.

Submission:

Labcorp Genetics (formerly Invitae), Labcorp
Classification: Likely pathogenic. Last evaluated: 2023-09-15. Review status: criteria provided, single submitter. Criteria: Invitae Variant Classification Sherloc (09022015). Collection method: clinical testing. Allele origin: germline.
Comment: This sequence change affects a donor splice site in intron 27 of the COL7A1 gene. It is expected to disrupt RNA splicing. Variants that disrupt the donor or acceptor splice site typically lead to a loss of protein function (PMID: 16199547), and loss-of-function variants in COL7A1 are known to be pathogenic (PMID: 16971478). This variant is not present in population databases (gnomAD no frequency). This variant has not been reported in the literature in individuals affected with COL7A1-related conditions. Algorithms developed to predict the effect of sequence changes on RNA splicing suggest that this variant may disrupt the consensus splice site. In summary, the currently available evidence indicates that the variant is pathogenic, but additional data are needed to prove that conclusively. Therefore, this variant has been classified as Likely Pathogenic.

Literature cited by the submitters: PubMed 16199547; PubMed 16971478.

NM_000094.4(COL7A1):c.3723+1G>A

Gene: COL7A1 (collagen type VII alpha 1 chain; minus strand). Cytogenetic location: 3p21.31.
Variant type: single nucleotide variant.
Coding change: c.3723+1G>A on transcript NM_000094.4 (MANE Select); the canonical splice donor site of the intron after coding-DNA position 3723, G replaced by A.
Molecular consequence: splice donor variant.
Genome position (GRCh38, 1-based): chr3:48,586,073, C>T on the plus strand (G>A on the coding strand, the complement: COL7A1 is on the minus strand). VCF-style: chr3-48586073-C-T. GRCh37 (hg19) VCF-style: chr3-48623506-C-T.
Identifiers: ClinVar variation 2853833 (VCV002853833.3), dbSNP rs2045233591, ClinGen allele CA352702562.